The following is an entry in ClinVar:

ClinVar aggregate classification (germline): Pathogenic/Likely pathogenic. Review status: criteria provided, multiple submitters, no conflicts (2 of 4 stars). 20 submissions from 20 submitters: Pathogenic (15); Likely pathogenic (3). 2 of the submissions do not count toward it. Last evaluated 2026-05-01.

Conditions:
BCKDHB-related disorder. Also called: BCKDHB-related condition.
Maple syrup urine disease type 1A (MSUD1A). Also called: MSUD type 1A. Identifiers: MedGen C1855369, MONDO:0023691, OMIM 248600.
Maple syrup urine disease type 1B (MSUD1B). Also called: MSUD type IB; MSUD type 3 (formerly); MSUD due to deficiency of e1-beta subunit of branched-chain alpha-keto acid dehydrogenase complex. Identifiers: MedGen C2930990, MONDO:0023692, OMIM 620698.
Maple syrup urine disease (MSUD). Identifiers: Orphanet 511, MedGen C0024776, MeSH D008375, MONDO:0009563. Disease mechanism: loss of function.

Allele frequency attached by ClinVar (database versions not stated): gnomAD 0.00061 and 0.00059; ExAC 0.00048; ESP Exome Variant Server 0.00008; gnomAD exomes 0.00055 and 0.00027; TOPMed 0.00028.
gnomAD v4.1: 474 of 1,607,980 alleles (0.029%); highest among the groups gnomAD compares: Admixed American, 0.032%; no homozygotes.

Submissions 1 to 16 of 20:

CeGaT Center for Human Genetics Tuebingen
Classification: Pathogenic. Last evaluated: 2026-05-01. Review status: criteria provided, single submitter. Criteria: CeGaT Center For Human Genetics Tuebingen Variant Classification Criteria Version 2. Collection method: clinical testing. Allele origin: germline. Affected: yes. Observed: 5 variant alleles.
Comment: BCKDHB: PM3:Very Strong, PM2, PP4:Moderate, PP3

Labcorp Genetics (formerly Invitae), Labcorp
Classification: Pathogenic for Maple syrup urine disease. Last evaluated: 2026-01-25. Review status: criteria provided, single submitter. Criteria: Invitae Variant Classification Sherloc (09022015). Collection method: clinical testing. Allele origin: germline.
Comment: This sequence change replaces glycine, which is neutral and non-polar, with serine, which is neutral and polar, at codon 278 of the BCKDHB protein (p.Gly278Ser). This variant is present in population databases (rs386834233, gnomAD 0.3%), and has an allele count higher than expected for a pathogenic variant. This missense change has been observed in individual(s) with BCKDHB-related conditions, some of which present with lab findings that are highly specific for maple syrup urine disease (PMID: 11509994, 14567968, 17922217, 20307994). In at least one individual the data is consistent with being in trans (on the opposite chromosome) from a pathogenic variant. ClinVar contains an entry for this variant (Variation ID: 65771). Invitae Evidence Modeling of protein sequence and biophysical properties (such as structural, functional, and spatial information, amino acid conservation, physicochemical variation, residue mobility, and thermodynamic stability) has been performed for this missense variant. However, the output from this modeling did not meet the statistical confidence thresholds required to predict the impact of this variant on BCKDHB protein function. For these reasons, this variant has been classified as Pathogenic.

Natera, Inc.
Classification: Pathogenic for Maple syrup urine disease type 1B. Last evaluated: 2025-11-25. Review status: criteria provided, single submitter. Criteria: Natera Variant Classification Schema (03/2026). Collection method: clinical testing. Allele origin: germline.
Comment: The c.832G>A variant in BCKDHB is a missense variant predicted to cause substitution of glycine to serine at amino acid 278. The frequency of this variant in the general population is greater than expected for disorder. This variant has been observed in one or more individuals affected with the associated recessive disease, as either homozygous or compound heterozygous with a second variant (PMID: 14517957, 17922217, 20307994, 30014008, 38957900). Additionally, this variant has been observed to segregate in affected family members (PMID: 20307994). Computational prediction algorithms indicate this variant is likely to affect gene or protein function. Given the available evidence, this variant is classified as Pathogenic.

Dasa
Classification: Likely pathogenic. Last evaluated: 2025-06-10. Review status: criteria provided, single submitter. Criteria: DASA Assertion Criteria. Collection method: clinical testing. Allele origin: germline.
Comment: NM_183050.4(BCKDHB):c.832G>A (p.Gly278Ser) is a missense variant that results in the substitution of glycine with serine. Segregation data support an association with disease in the reported family/families (PMID: 11509994; PMID: 14517957; PMID: 17922217; PMID: 30014008; PMID: 14567968). This variant has been recurrently observed in individuals with BCKDHB-related disorders (PMID: 11509994; PMID: 14517957; PMID: 17922217; PMID: 30014008; PMID: 14567968). Functional evidence supports an impact on the gene or gene product. Also, this variant is rare in population databases. Computational evidence supports a deleterious effect. Based on the currently available evidence, this variant is classified as likely pathogenic.

Laboratory of Genetics, Children's Clinical University Hospital Latvia
Classification: Likely pathogenic. Last evaluated: 2025-02-16. Review status: criteria provided, single submitter. Criteria: ACMG Guidelines, 2015. Collection method: clinical testing. Allele origin: germline. Affected: yes.

Blueprint Genetics
Classification: Pathogenic for BCKDHB-related disorders. Last evaluated: 2024-10-18. Review status: criteria provided, single submitter. Criteria: ACMG Guidelines, 2015. Collection method: clinical testing. Allele origin: germline. Affected: yes. Observed: 5 variant alleles.

Fulgent Genetics
Classification: Pathogenic for Maple syrup urine disease type 1B. Last evaluated: 2024-06-21. Review status: criteria provided, single submitter. Criteria: ACMG Guidelines, 2015. Collection method: clinical testing. Allele origin: germline.

Revvity Omics, Revvity
Classification: Pathogenic for Maple syrup urine disease type 1A. Last evaluated: 2024-05-20. Review status: criteria provided, single submitter. Criteria: ACMG Guidelines, 2015. Collection method: clinical testing. Allele origin: germline.

Laboratory of Medical Genetics, National & Kapodistrian University of Athens
Classification: Pathogenic for Maple syrup urine disease type 1B. Last evaluated: 2024-02-01. Review status: criteria provided, single submitter. Criteria: ACMG Guidelines, 2015. Collection method: curation. Allele origin: germline. Affected: no.

GeneDx
Classification: Pathogenic. Last evaluated: 2023-09-08. Review status: criteria provided, single submitter. Criteria: GeneDx Variant Classification Process June 2021. Collection method: clinical testing. Allele origin: germline. Affected: yes.
Comment: In silico analysis supports that this missense variant has a deleterious effect on protein structure/function; This variant is associated with the following publications: (PMID: 25087612, 23952016, 11509994, 20307994, 17922217, 31980526, 34426522, 33726816, 14517957)

Department of Pathology and Laboratory Medicine, Sinai Health System
Classification: Pathogenic for maple syrup urine disease type 1B. Last evaluated: 2023-08-31. Review status: criteria provided, single submitter. Criteria: ACMG Guidelines, 2015. Collection method: research. Allele origin: germline.

Genome-Nilou Lab
Classification: Pathogenic for Maple syrup urine disease type 1A. Last evaluated: 2021-11-07. Review status: criteria provided, single submitter. Criteria: ACMG Guidelines, 2015. Collection method: clinical testing. Allele origin: germline. Affected: no.

Centre for Inherited Metabolic Diseases, Karolinska University Hospital
Classification: Pathogenic for Maple syrup urine disease type 1A. Last evaluated: 2021-03-16. Review status: criteria provided, single submitter. Criteria: ACMG Guidelines, 2015. Collection method: clinical testing. Allele origin: germline. Inheritance: Autosomal recessive inheritance. Affected: yes. Observed: 1 homozygote.

Myriad Genetics, Inc.
Classification: Likely pathogenic for Maple syrup urine disease type 1A. Last evaluated: 2019-10-18. Review status: criteria provided, single submitter. Criteria: Myriad Women's Health Autosomal Recessive and X-Linked Classification Criteria (2019). Collection method: clinical testing. Allele origin: unknown.
Comment: NM_183050.2(BCKDHB):c.832G>A(G278S) is classified as likely pathogenic in the context of maple syrup urine disease type Ib and is associated with the intermediate form of this disease. Sources cited for classification include the following: PMID 14567968, 17922217 and 20307994. Classification of NM_183050.2(BCKDHB):c.832G>A(G278S) is based on the following criteria: This variant has been observed more frequently in patients with clinical diagnoses than in healthy populations. Please note: this variant was assessed in the context of healthy population screening.â€šÃ„Ã¶âˆšÃ‘âˆšÂ£

Women's Health and Genetics/Laboratory Corporation of America, LabCorp
Classification: Pathogenic for Maple syrup urine disease type 1B. Last evaluated: 2016-07-08. Review status: criteria provided, single submitter. Criteria: LabCorp Variant Classification Summary - May 2015. Collection method: clinical testing. Allele origin: germline.
Comment: Variant summary: The BCKDHB c.832G>A (p.Gly278Ser) variant involves the alteration of a conserved nucleotide. 4/4 in silico tools predict a damaging outcome for this variant (SNPs&GO not captured due to low reliability index). The G278S substitution exhibits a shift in polarity from non-polar to polar, and G278 is located in the Transketolase C-terminal/Pyruvate-ferredoxin oxidoreductase domain II of the 2-oxoisovalerate dehydrogenase subunit beta protein. Functional studies in fibroblasts from compound heterozygous patients show enzyme activity of <10%. This variant was found in 58/120788 control chromosomes at a frequency of 0.0004802, which does not exceed the estimated maximal expected allele frequency of a pathogenic BCKDHB variant (0.0014639). G278S has been reported in numerous MSUD patients in the literature in compound heterozygous state. Furthermore, at least one clinical diagnostic laboratory classified this variant as pathogenic, and the variant is reported as a commonly known pathogenic variant in the literature. Taken together, this variant is classified as Pathogenic.

Eurofins Ntd Llc (ga)
Classification: Pathogenic. Last evaluated: 2015-03-05. Review status: criteria provided, single submitter. Criteria: EGL Classification Definitions. Collection method: clinical testing. Allele origin: germline. Observed: 12 variant alleles, 12 heterozygotes.

NM_183050.4(BCKDHB):c.832G>A (p.Gly278Ser)

Gene: BCKDHB (branched chain keto acid dehydrogenase E1 subunit beta; plus strand). Cytogenetic location: 6q14.1.
Variant type: single nucleotide variant.
Coding change: c.832G>A on transcript NM_183050.4 (MANE Select); coding-DNA position 832, G replaced by A.
Protein change: p.Gly278Ser; replaces glycine 278 with serine.
Molecular consequence: missense variant. On other transcripts: non-coding transcript variant (1).
Genome position (GRCh38, 1-based): chr6:80,201,023, G>A. VCF-style: chr6-80201023-G-A. GRCh37 (hg19) VCF-style: chr6-80910740-G-A.
Other names: c.832G>A, p.Gly278Ser (NM_000056.5); c.622G>A, p.Gly208Ser (NM_001318975.1); c.832G>A (NM_183050.3); short protein forms G278S, G208S.
Identifiers: ClinVar variation 65771 (VCV000065771.77), dbSNP rs386834233, ClinGen allele CA224347.